The following is an entry in ClinVar:

ClinVar aggregate classification (germline): Uncertain significance (1 of 4 stars; one submission).

gnomAD v4.1: 6 of 1,608,910 alleles (0.00037%); highest among the groups gnomAD compares: Non-Finnish European, 0.00051%; no homozygotes.

Submission:

Ambry Genetics
Classification: Uncertain significance. Last evaluated: 2026-07-01. Review status: criteria provided, single submitter. Criteria: Ambry Variant Classification Scheme 2023. Collection method: clinical testing. Allele origin: germline.
Comment: The p.T1568A variant (also known as c.4702A>G), located in coding exon 28 of the LRP1B gene, results from an A to G substitution at nucleotide position 4702. The threonine at codon 1568 is replaced by alanine, an amino acid with similar properties. This amino acid position is conserved. In addition, this alteration is predicted to be tolerated by in silico analysis. Based on the available evidence, the clinical significance of this variant remains unclear.

NM_018557.3(LRP1B):c.4702A>G (p.Thr1568Ala)

Gene: LRP1B (LDL receptor related protein 1B; minus strand). Cytogenetic location: 2q22.1.
Variant type: single nucleotide variant.
Coding change: c.4702A>G on transcript NM_018557.3 (MANE Select); coding-DNA position 4702, A replaced by G.
Protein change: p.Thr1568Ala; replaces threonine 1568 with alanine.
Molecular consequence: missense variant.
Genome position (GRCh38, 1-based): chr2:140,851,661, T>C on the plus strand (A>G on the coding strand, the complement: LRP1B is on the minus strand). VCF-style: chr2-140851661-T-C. GRCh37 (hg19) VCF-style: chr2-141609230-T-C.
Other names: short protein forms T1568A.
Identifiers: ClinVar variation 5023664 (VCV005023664.1).